The following is an entry in ClinVar:

NM_001080467.3(MYO5B):c.3502del (p.Glu1168fs)

Gene: MYO5B (myosin VB; minus strand). Cytogenetic location: 18q21.1.
Variant type: Deletion.
Coding change: c.3502del on transcript NM_001080467.3 (MANE Select); coding-DNA position 3502, one base deleted (G; older notation c.3502delG).
Protein change: p.Glu1168fs; shifts the reading frame from glutamic acid 1168.
Molecular consequence: frameshift variant.
Genome position (GRCh38, 1-based): chr18:49,875,722, C deleted on the plus strand (G on the coding strand, the reverse complement: MYO5B is on the minus strand); the first of 2 consecutive C bases (chr18:49,875,722-49,875,723); deleting either gives the same sequence. VCF-style (leftmost placement, unchanged base first): chr18-49875721-TC-T. GRCh37 (hg19) VCF-style: chr18-47402091-TC-T.
Other names: short protein forms E1168fs.
Identifiers: ClinVar variation 1075058 (VCV001075058.7), dbSNP rs1290546936, ClinGen allele CA629562606.

ClinVar aggregate classification (germline): Pathogenic (1 of 4 stars; one submission).

Submission:

Labcorp Genetics (formerly Invitae), Labcorp
Classification: Pathogenic. Last evaluated: 2024-05-08. Review status: criteria provided, single submitter. Criteria: Invitae Variant Classification Sherloc (09022015). Collection method: clinical testing. Allele origin: germline.
Comment: This sequence change creates a premature translational stop signal (p.Glu1168Argfs*20) in the MYO5B gene. It is expected to result in an absent or disrupted protein product. Loss-of-function variants in MYO5B are known to be pathogenic (PMID: 18724368, 20186687). This variant is present in population databases (no rsID available, gnomAD 0.007%). This variant has not been reported in the literature in individuals affected with MYO5B-related conditions. ClinVar contains an entry for this variant (Variation ID: 1075058). For these reasons, this variant has been classified as Pathogenic.

Literature cited by the submitters: PubMed 18724368; PubMed 20186687.